The following is an entry in ClinVar:

NM_001042750.2(STAG2):c.3054-3A>G

Gene: STAG2 (STAG2 cohesin complex component; plus strand). Cytogenetic location: Xq25.
Variant type: single nucleotide variant.
Coding change: c.3054-3A>G on transcript NM_001042750.2 (MANE Select); 3 bases into the intron before coding-DNA position 3054, A replaced by G.
Molecular consequence: intron variant.
Genome position (GRCh38, 1-based): chrX:124,086,544, A>G. VCF-style: chrX-124086544-A-G. GRCh37 (hg19) VCF-style: chrX-123220394-A-G.
Other names: c.3054-3A>G (NM_001375370.1, NM_001375376.1, NM_001375369.1 and 13 more transcripts).
Identifiers: ClinVar variation 2704754 (VCV002704754.3), dbSNP rs2148464547, ClinGen allele CA2694627511.

ClinVar aggregate classification (germline): Uncertain significance (1 of 4 stars; one submission).

Allele frequency attached by ClinVar (database versions not stated): gnomAD exomes below 0.00001.
gnomAD v4.1: 1 of 1,195,062 alleles (0.000084%); highest among the groups gnomAD compares: Non-Finnish European, 0.00011%; no homozygotes.

Submission:

Labcorp Genetics (formerly Invitae), Labcorp
Classification: Uncertain significance. Last evaluated: 2023-12-21. Review status: criteria provided, single submitter. Criteria: Invitae Variant Classification Sherloc (09022015). Collection method: clinical testing. Allele origin: germline.
Comment: This sequence change falls in intron 29 of the STAG2 gene. It does not directly change the encoded amino acid sequence of the STAG2 protein. It affects a nucleotide within the consensus splice site. This variant is not present in population databases (gnomAD no frequency). This variant has not been reported in the literature in individuals affected with STAG2-related conditions. Variants that disrupt the consensus splice site are a relatively common cause of aberrant splicing (PMID: 17576681, 9536098). Algorithms developed to predict the effect of sequence changes on RNA splicing suggest that this variant is not likely to affect RNA splicing. In summary, the available evidence is currently insufficient to determine the role of this variant in disease. Therefore, it has been classified as a Variant of Uncertain Significance.

Literature cited by the submitters: PubMed 17576681; PubMed 9536098.